The following is an entry in ClinVar:

ClinVar aggregate classification (germline): Uncertain significance (1 of 4 stars; one submission).

Conditions:
Niemann-Pick disease, type C1. Also called: NEUROVISCERAL STORAGE DISEASE WITH VERTICAL SUPRANUCLEAR OPHTHALMOPLEGIA; NIEMANN-PICK DISEASE WITH CHOLESTEROL ESTERIFICATION BLOCK; NIEMANN-PICK DISEASE WITHOUT SPHINGOMYELINASE DEFICIENCY; NIEMANN-PICK DISEASE, CHRONIC NEURONOPATHIC FORM; NIEMANN-PICK DISEASE, VARIANT TYPE C1. Identifiers: Orphanet 646, MedGen C3179455, MONDO:0009757, OMIM 257220.

Submission:

Labcorp Genetics (formerly Invitae), Labcorp
Classification: Uncertain significance for Niemann-Pick disease, type C1. Last evaluated: 2022-06-27. Review status: criteria provided, single submitter. Criteria: Invitae Variant Classification Sherloc (09022015). Collection method: clinical testing. Allele origin: germline.
Comment: This sequence change replaces proline, which is neutral and non-polar, with arginine, which is basic and polar, at codon 251 of the NPC1 protein (p.Pro251Arg). This variant is not present in population databases (gnomAD no frequency). This variant has not been reported in the literature in individuals affected with NPC1-related conditions. Advanced modeling of protein sequence and biophysical properties (such as structural, functional, and spatial information, amino acid conservation, physicochemical variation, residue mobility, and thermodynamic stability) performed at Invitae indicates that this missense variant is expected to disrupt NPC1 protein function. In summary, the available evidence is currently insufficient to determine the role of this variant in disease. Therefore, it has been classified as a Variant of Uncertain Significance.

NM_000271.5(NPC1):c.752C>G (p.Pro251Arg)

Gene: NPC1 (NPC intracellular cholesterol transporter 1; minus strand). Cytogenetic location: 18q11.2.
Variant type: single nucleotide variant.
Coding change: c.752C>G on transcript NM_000271.5 (MANE Select); coding-DNA position 752, C replaced by G.
Protein change: p.Pro251Arg; replaces proline 251 with arginine.
Molecular consequence: missense variant.
Genome position (GRCh38, 1-based): chr18:23,560,360, G>C on the plus strand (C>G on the coding strand, the complement: NPC1 is on the minus strand). VCF-style: chr18-23560360-G-C. GRCh37 (hg19) VCF-style: chr18-21140324-G-C.
Other names: short protein forms P251R.
Identifiers: ClinVar variation 2011586 (VCV002011586.1), dbSNP rs2511302818, ClinGen allele CA401781200.